The following is an entry in ClinVar:

NM_001113491.2(SEPTIN9):c.76+13013GAG[6]

Gene: SEPTIN9 (septin 9; plus strand). Cytogenetic location: 17q25.3.
Variant type: Microsatellite.
Coding change: c.76+13013GAG[6] on transcript NM_001113491.2 (MANE Select); six copies in a row of the 3-base unit GAG starting at c.76+13013.
Molecular consequence: intron variant. On other transcripts: 5 prime UTR variant (1).
Genome position: GRCh38 VCF-style: chr17-77320209-AGAGGAG-A. GRCh37 (hg19) VCF-style: chr17-75316291-AGAGGAG-A.
Other names: c.-116AGG[6] (NM_006640.5); c.19+38656GAG[6] (NM_001293695.2); c.-417+13013GAG[6] (NM_001113492.2).
Identifiers: ClinVar variation 325535 (VCV000325535.29), dbSNP rs372287642, ClinGen allele CA10651145.

ClinVar aggregate classification (germline): Benign (1 of 4 stars; one submission).

Submission:

CeGaT Center for Human Genetics Tuebingen
Classification: Benign. Last evaluated: 2022-09-01. Review status: criteria provided, single submitter. Criteria: CeGaT Center For Human Genetics Tuebingen Variant Classification Criteria Version 2. Collection method: clinical testing. Allele origin: germline. Affected: yes. Observed: 1 variant allele.
Comment: SEPTIN9: BS1, BS2